The following is an entry in ClinVar:

ClinVar aggregate classification (germline): Uncertain significance (1 of 4 stars; one submission).

Conditions:
Dilated cardiomyopathy 1AA (CMD1AA). Also called: Cardiomyopathy, dilated, 1AA, with or without LVNC; CARDIOMYOPATHY, DILATED, 1AA, WITH OR WITHOUT LEFT VENTRICULAR NONCOMPACTION; CARDIOMYOPATHY, FAMILIAL HYPERTROPHIC, 23, WITH OR WITHOUT LEFT VENTRICULAR NONCOMPACTION. Identifiers: Orphanet 154, MedGen C2677338, MONDO:0012808, OMIM 612158.
Primary familial hypertrophic cardiomyopathy (HCM). Identifiers: Orphanet 99739, MedGen C0949658, MeSH D024741, MONDO:0024573. Inheritance: Various modes of inheritance.

Submission:

Labcorp Genetics (formerly Invitae), Labcorp
Classification: Uncertain significance for Primary familial hypertrophic cardiomyopathy; Dilated cardiomyopathy 1AA. Last evaluated: 2019-03-12. Review status: criteria provided, single submitter. Criteria: Invitae Variant Classification Sherloc (09022015). Collection method: clinical testing. Allele origin: germline.
Comment: This variant results in a copy number gain of the genomic region encompassing the full coding sequence of the ACTN2 gene. The boundaries of this event are unknown as they extend beyond the assayed region for this gene and therefore may encompass additional genes. As the precise location of this event is unknown, it may be in tandem or it may be located elsewhere in the genome. This variant has not been reported in the literature in individuals with ACTN2-related disease. In summary, the available evidence is currently insufficient to determine the role of this variant in disease. Therefore, it has been classified as a Variant of Uncertain Significance.

NC_000001.10:g.(?_236849954)_(236899988_?)dup

Gene: ACTN2 (actinin alpha 2; plus strand). Cytogenetic location: 1q43.
Variant type: Duplication.
Identifiers: ClinVar variation 463184 (VCV000463184.3).